The following is an entry in ClinVar:

NM_000171.4(GLRA1):c.917C>A (p.Ser306Tyr)

Gene: GLRA1 (glycine receptor alpha 1; minus strand). Cytogenetic location: 5q33.1.
Variant type: single nucleotide variant.
Coding change: c.917C>A on transcript NM_000171.4 (MANE Select); coding-DNA position 917, C replaced by A.
Protein change: p.Ser306Tyr; replaces serine 306 with tyrosine.
Molecular consequence: missense variant.
Genome position (GRCh38, 1-based): chr5:151,829,063, G>T on the plus strand (C>A on the coding strand, the complement: GLRA1 is on the minus strand). VCF-style: chr5-151829063-G-T. GRCh37 (hg19) VCF-style: chr5-151208624-G-T.
Other names: c.917C>A (NM_000171.3); c.917C>A, p.Ser306Tyr (NM_001146040.2); c.668C>A, p.Ser223Tyr (NM_001292000.2); short protein forms S223Y, S306Y.
Identifiers: ClinVar variation 1462530 (VCV001462530.10), dbSNP rs2113290161, ClinGen allele CA361851956.

ClinVar aggregate classification (germline): Uncertain significance. Review status: criteria provided, multiple submitters, no conflicts (2 of 4 stars). 2 submissions from 2 submitters: Uncertain significance (2). Last evaluated 2024-01-26.

Conditions:
Hereditary hyperekplexia. Identifiers: Orphanet 3197, MedGen C4084968, MONDO:0021022.

Submissions (2):

GeneDx
Classification: Uncertain significance. Last evaluated: 2024-01-26. Review status: criteria provided, single submitter. Criteria: GeneDx Variant Classification Process June 2021. Collection method: clinical testing. Allele origin: germline.
Comment: Not observed at significant frequency in large population cohorts (gnomAD); In silico analysis supports that this missense variant has a deleterious effect on protein structure/function; Has not been previously published as pathogenic or benign to our knowledge

Labcorp Genetics (formerly Invitae), Labcorp
Classification: Uncertain significance for Hereditary hyperekplexia. Last evaluated: 2022-05-26. Review status: criteria provided, single submitter. Criteria: Invitae Variant Classification Sherloc (09022015). Collection method: clinical testing. Allele origin: germline.
Comment: This sequence change replaces serine, which is neutral and polar, with tyrosine, which is neutral and polar, at codon 306 of the GLRA1 protein (p.Ser306Tyr). In summary, the available evidence is currently insufficient to determine the role of this variant in disease. Therefore, it has been classified as a Variant of Uncertain Significance. Advanced modeling of protein sequence and biophysical properties (such as structural, functional, and spatial information, amino acid conservation, physicochemical variation, residue mobility, and thermodynamic stability) performed at Invitae indicates that this missense variant is expected to disrupt GLRA1 protein function. This variant has not been reported in the literature in individuals affected with GLRA1-related conditions. This variant is not present in population databases (gnomAD no frequency).